The following is an entry in ClinVar:

ClinVar aggregate classification (germline): Likely benign (1 of 4 stars; one submission).

Conditions:
TRPC5-related disorder. Also called: TRPC5-related condition.

gnomAD v4.1: 12 of 1,209,846 alleles (0.00099%); highest among the groups gnomAD compares: East Asian, 0.012%; no homozygotes.

Submission:

PreventionGenetics, part of Exact Sciences
Classification: Likely benign for TRPC5-related condition. Last evaluated: 2025-05-14. Review status: criteria provided, single submitter. Criteria: ACMG Guidelines, 2015. Collection method: clinical testing. Allele origin: germline.
Comment: This variant is classified as likely benign based on ACMG/AMP sequence variant interpretation guidelines (Richards et al. 2015 PMID: 25741868, with internal and published modifications).

NM_012471.3(TRPC5):c.1446C>T (p.Phe482=)

Gene: TRPC5 (transient receptor potential cation channel subfamily C member 5; minus strand). Cytogenetic location: Xq23.
Variant type: single nucleotide variant.
Coding change: c.1446C>T on transcript NM_012471.3 (MANE Select); coding-DNA position 1446, C replaced by T.
Protein change: p.Phe482=; no amino-acid change (phenylalanine 482 retained).
Molecular consequence: synonymous variant.
Genome position (GRCh38, 1-based): chrX:111,847,368, G>A on the plus strand (C>T on the coding strand, the complement: TRPC5 is on the minus strand). VCF-style: chrX-111847368-G-A. GRCh37 (hg19) VCF-style: chrX-111090596-G-A.
Identifiers: ClinVar variation 4989956 (VCV004989956.1).